The following is an entry in ClinVar:

NM_000094.4(COL7A1):c.3461G>T (p.Arg1154Leu)

Gene: COL7A1 (collagen type VII alpha 1 chain; minus strand). Cytogenetic location: 3p21.31.
Variant type: single nucleotide variant.
Coding change: c.3461G>T on transcript NM_000094.4 (MANE Select); coding-DNA position 3461, G replaced by T.
Protein change: p.Arg1154Leu; replaces arginine 1154 with leucine.
Molecular consequence: missense variant.
Genome position (GRCh38, 1-based): chr3:48,586,421, C>A on the plus strand (G>T on the coding strand, the complement: COL7A1 is on the minus strand). VCF-style: chr3-48586421-C-A. GRCh37 (hg19) VCF-style: chr3-48623854-C-A.
Other names: short protein forms R1154L.
Identifiers: ClinVar variation 3674243 (VCV003674243.3).

ClinVar aggregate classification (germline): Uncertain significance. Review status: criteria provided, multiple submitters, no conflicts (2 of 4 stars). 2 submissions from 2 submitters: Uncertain significance (2). Last evaluated 2025-05-28.

Conditions:
Inborn genetic diseases. Identifiers: MedGen C0950123, MeSH D030342.

gnomAD v4.1: 3 of 1,613,872 alleles (0.00019%); highest among the groups gnomAD compares: South Asian, 0.0011%; no homozygotes.

Submissions (2):

Ambry Genetics
Classification: Uncertain significance for Inborn genetic diseases. Last evaluated: 2025-05-28. Review status: criteria provided, single submitter. Criteria: Ambry Variant Classification Scheme 2023. Collection method: clinical testing. Allele origin: germline.

Labcorp Genetics (formerly Invitae), Labcorp
Classification: Uncertain significance. Last evaluated: 2024-12-02. Review status: criteria provided, single submitter. Criteria: Invitae Variant Classification Sherloc (09022015). Collection method: clinical testing. Allele origin: germline.
Comment: This sequence change replaces arginine, which is basic and polar, with leucine, which is neutral and non-polar, at codon 1154 of the COL7A1 protein (p.Arg1154Leu). This variant is not present in population databases (gnomAD no frequency). This variant has not been reported in the literature in individuals affected with COL7A1-related conditions. Invitae Evidence Modeling of protein sequence and biophysical properties (such as structural, functional, and spatial information, amino acid conservation, physicochemical variation, residue mobility, and thermodynamic stability) has been performed for this missense variant. However, the output from this modeling did not meet the statistical confidence thresholds required to predict the impact of this variant on COL7A1 protein function. In summary, the available evidence is currently insufficient to determine the role of this variant in disease. Therefore, it has been classified as a Variant of Uncertain Significance.